The following is an entry in ClinVar:

ClinVar aggregate classification (germline): Pathogenic. Review status: criteria provided, multiple submitters, no conflicts (2 of 4 stars). 4 submissions from 4 submitters: Pathogenic (2). 2 of the submissions do not count toward it. Last evaluated 2025-06-11.

Conditions:
X-linked agammaglobulinemia with growth hormone deficiency (IGHD3). Also called: FLEISHER SYNDROME; HYPOGAMMAGLOBULINEMIA AND ISOLATED GROWTH HORMONE DEFICIENCY, X-LINKED; IGHD III; Isolated growth hormone deficiency type 3; Growth hormone deficiency with hypogammaglobulinemia; AGAMMAGLOBULINEMIA AND ISOLATED GROWTH HORMONE DEFICIENCY, X-LINKED. Identifiers: Orphanet 231692, Orphanet 631, MedGen C0472813, MONDO:0010615, OMIM 307200.

Submissions (4):

Labcorp Genetics (formerly Invitae), Labcorp
Classification: Pathogenic for X-linked agammaglobulinemia with growth hormone deficiency. Last evaluated: 2025-06-11. Review status: criteria provided, single submitter. Criteria: Invitae Variant Classification Sherloc (09022015). Collection method: clinical testing. Allele origin: germline.
Comment: This sequence change creates a premature translational stop signal (p.Arg525*) in the BTK gene. It is expected to result in an absent or disrupted protein product. Loss-of-function variants in BTK are known to be pathogenic (PMID: 15661032, 16862044, 19419768). This variant is not present in population databases (gnomAD no frequency). This premature translational stop signal has been observed in individual(s) with X-linked agammaglobulinemia (PMID: 7711734, 30072168). ClinVar contains an entry for this variant (Variation ID: 279714). For these reasons, this variant has been classified as Pathogenic.

GeneDx
Classification: Pathogenic. Last evaluated: 2016-09-29. Review status: criteria provided, single submitter. Criteria: GeneDx Variant Classification (06012015). Collection method: clinical testing. Allele origin: germline. Affected: yes.
Comment: The R525X nonsense variant in the BTK gene has been frequently reported in association with X-linked agammaglobulinemia (Vorechovsky et al., 1995; Chen et al., 2016). This pathogenic variant is predicted to cause loss of normal protein function either through protein truncation or nonsense-mediated mRNA decay. The R525X variant was not observed in approximately 6,500 individuals of European and African American ancestry in the NHLBI Exome Sequencing Project, indicating it is not a common benign variant in these populations.

Clinical Genetics DNA and cytogenetics Diagnostics Lab, Erasmus MC, Erasmus Medical Center
Classification: Pathogenic. Review status: no assertion criteria provided. Collection method: clinical testing. Allele origin: germline. Affected: yes. Study: VKGL Data-share Consensus. Not counted in ClinVar's aggregate classification.

Genome Diagnostics Laboratory, University Medical Center Utrecht
Classification: Pathogenic. Review status: no assertion criteria provided. Collection method: clinical testing. Allele origin: germline. Affected: yes. Study: VKGL Data-share Consensus. Not counted in ClinVar's aggregate classification.

Literature cited by the submitters: PubMed 15661032 (cited by Labcorp Genetics (formerly Invitae), Labcorp); PubMed 16862044 (cited by Labcorp Genetics (formerly Invitae), Labcorp); PubMed 19419768 (cited by Labcorp Genetics (formerly Invitae), Labcorp); PubMed 7711734 (cited by Labcorp Genetics (formerly Invitae), Labcorp); PubMed 30072168 (cited by Labcorp Genetics (formerly Invitae), Labcorp).

NM_000061.3(BTK):c.1573C>T (p.Arg525Ter)

Gene: BTK (Bruton tyrosine kinase; minus strand). Cytogenetic location: Xq22.1.
Variant type: single nucleotide variant.
Coding change: c.1573C>T on transcript NM_000061.3 (MANE Select); coding-DNA position 1573, C replaced by T.
Protein change: p.Arg525Ter; replaces arginine 525 with a stop codon.
Molecular consequence: nonsense.
Genome position (GRCh38, 1-based): chrX:101,354,688, G>A on the plus strand (C>T on the coding strand, the complement: BTK is on the minus strand). VCF-style: chrX-101354688-G-A. GRCh37 (hg19) VCF-style: chrX-100609676-G-A.
Other names: c.1675C>T, p.Arg559Ter (NM_001287344.2); c.1045C>T, p.Arg349Ter (NM_001287345.2); short protein forms R525*, R349*, R559*.
Identifiers: ClinVar variation 279714 (VCV000279714.9), dbSNP rs886041149, ClinGen allele CA10603524.